The following is an entry in ClinVar:

ClinVar aggregate classification (germline): Uncertain significance (1 of 4 stars; one submission).

Conditions:
Hereditary cancer-predisposing syndrome. Also called: Hereditary Cancer Syndrome; Tumor predisposition; Hereditary neoplastic syndrome; Neoplastic Syndromes, Hereditary. Identifiers: Orphanet 140162, MedGen C0027672, MeSH D009386, MONDO:0015356.

Submission:

Ambry Genetics
Classification: Uncertain significance for Hereditary cancer-predisposing syndrome. Last evaluated: 2024-04-11. Review status: criteria provided, single submitter. Criteria: Ambry Variant Classification Scheme 2023. Collection method: clinical testing. Allele origin: germline.
Comment: The p.D514N variant (also known as c.1540G>A), located in coding exon 10 of the CDH1 gene, results from a G to A substitution at nucleotide position 1540. The aspartic acid at codon 514 is replaced by asparagine, an amino acid with highly similar properties. This amino acid position is highly conserved in available vertebrate species. In addition, the in silico prediction for this alteration is inconclusive. Based on the available evidence, the clinical significance of this variant remains unclear.

NM_004360.5(CDH1):c.1540G>A (p.Asp514Asn)

Gene: CDH1 (cadherin 1; plus strand). Cytogenetic location: 16q22.1.
Variant type: single nucleotide variant.
Coding change: c.1540G>A on transcript NM_004360.5 (MANE Select); coding-DNA position 1540, G replaced by A.
Protein change: p.Asp514Asn; replaces aspartic acid 514 with asparagine.
Molecular consequence: missense variant. On other transcripts: 5 prime UTR variant (2).
Genome position (GRCh38, 1-based): chr16:68,815,734, G>A. VCF-style: chr16-68815734-G-A. GRCh37 (hg19) VCF-style: chr16-68849637-G-A.
Other names: c.1357G>A, p.Asp453Asn (NM_001317184.2); c.-9G>A (NM_001317185.2); c.-280G>A (NM_001317186.2); short protein forms D453N, D514N.
Identifiers: ClinVar variation 3265133 (VCV003265133.1).
Genomic context (GRCh38, chr16:68,815,734, plus strand): 5'-GAAGTGTCCGAGGACTTTGGCGTGGGCCAGGAAATCACATCCTACACTGCCCAGGAGCCA[G>A]ACACATTTATGGAACAGAAAATAACGTAAGTGTGAGGATTTTTCAACTGACTTGCAGCAA-3'
Protein context (NP_004351.1, residues 504-524): EITSYTAQEP[Asp514Asn]TFMEQKITYR